The following is an entry in ClinVar:

NM_006030.4(CACNA2D2):c.2949C>G (p.Ile983Met)

Genes: CACNA2D2 (calcium voltage-gated channel auxiliary subunit alpha2delta 2; minus strand), LOC101928965 (uncharacterized LOC101928965; plus strand), LOC127898564 (CYB561D2-LOC101928965; plus strand). Cytogenetic location: 3p21.31.
Variant type: single nucleotide variant.
Coding change: c.2949C>G on transcript NM_006030.4 (MANE Select); coding-DNA position 2949, C replaced by G.
Protein change: p.Ile983Met; replaces isoleucine 983 with methionine.
Molecular consequence: missense variant. On other transcripts: non-coding transcript variant (2).
Genome position (GRCh38, 1-based): chr3:50,365,655, G>C on the plus strand (C>G on the coding strand, the complement: CACNA2D2 is on the minus strand). VCF-style: chr3-50365655-G-C. GRCh37 (hg19) VCF-style: chr3-50403086-G-C.
Other names: c.2949C>G, p.Ile983Met (NM_001005505.3); c.2970C>G, p.Ile990Met (NM_001174051.3); c.2742C>G, p.Ile914Met (NM_001291101.1); c.2952C>G, p.Ile984Met (NM_001410768.1); c.2970C>G (NM_001174051.1); short protein forms I984M, I990M, I914M, I983M.
Identifiers: ClinVar variation 2196735 (VCV002196735.7), dbSNP rs142877499, ClinGen allele CA74606753.

ClinVar aggregate classification (germline): Uncertain significance. Review status: criteria provided, multiple submitters, no conflicts (2 of 4 stars). 3 submissions from 3 submitters: Uncertain significance (3). Last evaluated 2025-05-21.

Conditions:
Inborn genetic diseases. Identifiers: MedGen C0950123, MeSH D030342.
Developmental and epileptic encephalopathy. Identifiers: MedGen C5779964, MONDO:0100620.
Cerebellar atrophy with seizures and variable developmental delay. Identifiers: MedGen C5193132, MONDO:0032788, OMIM 618501.

gnomAD v4.1: 9 of 1,582,086 alleles (0.00057%); highest among the groups gnomAD compares: Non-Finnish European, 0.00077%; no homozygotes.

Submissions (3):

Ambry Genetics
Classification: Uncertain significance for Inborn genetic diseases. Last evaluated: 2025-05-21. Review status: criteria provided, single submitter. Criteria: Ambry Variant Classification Scheme 2023. Collection method: clinical testing. Allele origin: germline.

Labcorp Genetics (formerly Invitae), Labcorp
Classification: Uncertain significance for Early-infantile DEE. Last evaluated: 2024-03-04. Review status: criteria provided, single submitter. Criteria: Invitae Variant Classification Sherloc (09022015). Collection method: clinical testing. Allele origin: germline.
Comment: This sequence change replaces isoleucine, which is neutral and non-polar, with methionine, which is neutral and non-polar, at codon 983 of the CACNA2D2 protein (p.Ile983Met). This variant is not present in population databases (gnomAD no frequency). This variant has not been reported in the literature in individuals affected with CACNA2D2-related conditions. ClinVar contains an entry for this variant (Variation ID: 2196735). An algorithm developed to predict the effect of missense changes on protein structure and function (PolyPhen-2) suggests that this variant¬†is likely to be tolerated. In summary, the available evidence is currently insufficient to determine the role of this variant in disease. Therefore, it has been classified as a Variant of Uncertain Significance.

Revvity Omics, Revvity
Classification: Uncertain significance for Cerebellar atrophy with seizures and variable developmental delay. Last evaluated: 2022-01-05. Review status: criteria provided, single submitter. Criteria: ACMG Guidelines, 2015. Collection method: clinical testing. Allele origin: germline.